The following is an entry in ClinVar:

ClinVar aggregate classification (germline): Uncertain significance. Review status: criteria provided, multiple submitters, no conflicts (2 of 4 stars). 5 submissions from 5 submitters: Uncertain significance (4). 1 of the submissions does not count toward it. Last evaluated 2025-10-21.

Conditions:
Hereditary cancer-predisposing syndrome. Also called: Tumor predisposition; Hereditary neoplastic syndrome; Neoplastic Syndromes, Hereditary; Hereditary Cancer Syndrome. Identifiers: Orphanet 140162, MedGen C0027672, MeSH D009386, MONDO:0015356.
Ataxia-telangiectasia syndrome (AT). Also called: Ataxia-telangiectasia, complementation group E; AT, COMPLEMENTATION GROUP C; ATAXIA-TELANGIECTASIA, COMPLEMENTATION GROUP A; ATAXIA-TELANGIECTASIA, FRESNO VARIANT; Ataxia-telangiectasia; LOUIS-BAR SYNDROME. Identifiers: Orphanet 100, MedGen C0004135, MONDO:0008840, OMIM 208900.

Allele frequency attached by ClinVar (database versions not stated): gnomAD 0.00001; gnomAD exomes 0.00001; ExAC 0.00002; TOPMed 0.00002; 1000 Genomes Project 30x 0.00016; 1000 Genomes Project 0.00020.
gnomAD v4.1: 2 of 1,613,766 alleles (0.00012%); highest among the groups gnomAD compares: African/African-American, 0.0027%; no homozygotes.

Submissions (5):

Labcorp Genetics (formerly Invitae), Labcorp
Classification: Uncertain significance for Ataxia-telangiectasia syndrome. Last evaluated: 2025-10-21. Review status: criteria provided, single submitter. Criteria: Invitae Variant Classification Sherloc (09022015). Collection method: clinical testing. Allele origin: germline.
Comment: This sequence change replaces leucine, which is neutral and non-polar, with arginine, which is basic and polar, at codon 944 of the ATM protein (p.Leu944Arg). This variant is present in population databases (rs565886680, gnomAD 0.01%). This variant has not been reported in the literature in individuals affected with ATM-related conditions. ClinVar contains an entry for this variant (Variation ID: 219648). Invitae Evidence Modeling of protein sequence and biophysical properties (such as structural, functional, and spatial information, amino acid conservation, physicochemical variation, residue mobility, and thermodynamic stability) has been performed for this missense variant. However, the output from this modeling did not meet the statistical confidence thresholds required to predict the impact of this variant on ATM protein function. In summary, the available evidence is currently insufficient to determine the role of this variant in disease. Therefore, it has been classified as a Variant of Uncertain Significance.

Ambry Genetics
Classification: Uncertain significance for Hereditary cancer-predisposing syndrome. Last evaluated: 2025-04-09. Review status: criteria provided, single submitter. Criteria: Ambry Variant Classification Scheme 2023. Collection method: clinical testing. Allele origin: germline.
Comment: The p.L944R variant (also known as c.2831T>G), located in coding exon 17 of the ATM gene, results from a T to G substitution at nucleotide position 2831. The leucine at codon 944 is replaced by arginine, an amino acid with dissimilar properties. In a study of whole-exome sequencing in patients with features of Cowden syndrome (CS) or Bannayan-Riley-Ruvalcaba syndrome (BRRS) and negative PTEN testing, this alteration was identified in 0/87 patients with CS or BRRS and 1/3476 patients from The Cancer Genome Atlas (TCGA) (Yehia L et al. PLoS Genet, 2018 04;14:e1007352). This amino acid position is highly conserved in available vertebrate species. In addition, this alteration is predicted to be deleterious by in silico analysis. Since supporting evidence is limited at this time, the clinical significance of this alteration remains unclear.

GeneDx
Classification: Uncertain significance. Last evaluated: 2022-10-20. Review status: criteria provided, single submitter. Criteria: GeneDx Variant Classification Process June 2021. Collection method: clinical testing. Allele origin: germline. Affected: yes.
Comment: Not observed at significant frequency in large population cohorts (gnomAD); In silico analysis supports that this missense variant has a deleterious effect on protein structure/function; Has not been previously published as pathogenic or benign to our knowledge

Color Diagnostics, LLC DBA Color Health
Classification: Uncertain significance for Hereditary cancer-predisposing syndrome. Last evaluated: 2022-05-09. Review status: criteria provided, single submitter. Criteria: ACMG Guidelines, 2015. Collection method: clinical testing. Allele origin: germline.
Comment: This missense variant replaces leucine with arginine at codon 944 of the ATM protein. Computational prediction is inconclusive regarding the impact of this variant on protein structure and function (internally defined REVEL score threshold 0.5 < inconclusive < 0.7, PMID: 27666373). To our knowledge, functional studies have not been reported for this variant. This variant has not been reported in individuals affected with hereditary cancer in the literature. This variant has been identified in 2/251318 chromosomes in the general population by the Genome Aggregation Database (gnomAD). The available evidence is insufficient to determine the role of this variant in disease conclusively. Therefore, this variant is classified as a Variant of Uncertain Significance.

Natera, Inc.
Classification: Uncertain significance for Ataxia-telangiectasia. Last evaluated: 2020-02-26. Review status: no assertion criteria provided. Collection method: clinical testing. Allele origin: germline. Not counted in ClinVar's aggregate classification.

Literature cited by the submitters: PubMed 29684080 (cited by Ambry Genetics).

NM_000051.4(ATM):c.2831T>G (p.Leu944Arg)

Gene: ATM (ATM serine/threonine kinase; plus strand). Cytogenetic location: 11q22.3.
Variant type: single nucleotide variant.
Coding change: c.2831T>G on transcript NM_000051.4 (MANE Select); coding-DNA position 2831, T replaced by G.
Protein change: p.Leu944Arg; replaces leucine 944 with arginine.
Molecular consequence: missense variant.
Genome position (GRCh38, 1-based): chr11:108,268,602, T>G. VCF-style: chr11-108268602-T-G. GRCh37 (hg19) VCF-style: chr11-108139329-T-G.
Other names: c.2831T>G, p.Leu944Arg (NM_001351834.2); short protein forms L944R.
Identifiers: ClinVar variation 219648 (VCV000219648.16), dbSNP rs565886680, ClinGen allele CA348149.